The following is an entry in ClinVar:

NM_003482.4(KMT2D):c.13095T>C (p.Leu4365=)

Gene: KMT2D (lysine methyltransferase 2D; minus strand). Cytogenetic location: 12q13.12.
Variant type: single nucleotide variant.
Coding change: c.13095T>C on transcript NM_003482.4 (MANE Select); coding-DNA position 13095, T replaced by C.
Protein change: p.Leu4365=; no amino-acid change (leucine 4365 retained).
Molecular consequence: synonymous variant.
Genome position (GRCh38, 1-based): chr12:49,031,610, A>G on the plus strand (T>C on the coding strand, the complement: KMT2D is on the minus strand). VCF-style: chr12-49031610-A-G. GRCh37 (hg19) VCF-style: chr12-49425393-A-G.
Identifiers: ClinVar variation 514748 (VCV000514748.8), dbSNP rs767751775, ClinGen allele CA6546075.

ClinVar aggregate classification (germline): Likely benign. Review status: criteria provided, multiple submitters, no conflicts (2 of 4 stars). 2 submissions from 2 submitters: Likely benign (2). Last evaluated 2025-02-20.

Conditions:
Kabuki syndrome. Also called: Kabuki make-up syndrome; NIIKAWA-KUROKI SYNDROME. Identifiers: Orphanet 2322, MedGen C0796004, MONDO:0016512.

Allele frequency attached by ClinVar (database versions not stated): ExAC below 0.00001; TOPMed 0.00001.

Submissions (2):

Labcorp Genetics (formerly Invitae), Labcorp
Classification: Likely benign for Kabuki syndrome. Last evaluated: 2025-02-20. Review status: criteria provided, single submitter. Criteria: Invitae Variant Classification Sherloc (09022015). Collection method: clinical testing. Allele origin: germline.

GeneDx
Classification: Likely benign. Last evaluated: 2018-01-17. Review status: criteria provided, single submitter. Criteria: GeneDx Variant Classification (06012015). Collection method: clinical testing. Allele origin: germline. Affected: yes.
Comment: This variant is considered likely benign or benign based on one or more of the following criteria: it is a conservative change, it occurs at a poorly conserved position in the protein, it is predicted to be benign by multiple in silico algorithms, and/or has population frequency not consistent with disease.